The following is an entry in ClinVar:

ClinVar aggregate classification (germline): Likely pathogenic (1 of 4 stars; one submission).

Conditions:
OTOGL-related disorder. Also called: OTOGL-related condition.

Submission:

PreventionGenetics, part of Exact Sciences
Classification: Likely pathogenic for OTOGL-related condition. Last evaluated: 2026-06-10. Review status: criteria provided, single submitter. Criteria: ACMG Guidelines, 2015. Collection method: clinical testing. Allele origin: germline.
Comment: The OTOGL c.1313_1314delTT variant is predicted to result in a frameshift and premature protein termination (p.Phe438Serfs*12). To our knowledge, this variant has not been reported in the literature or in a large population database (gnomAD), indicating this variant is rare. Frameshift variants in OTOGL are expected to be pathogenic. This variant is interpreted as likely pathogenic.

NM_001378609.3(OTOGL):c.1340_1341del (p.Phe447fs)

Gene: OTOGL (otogelin like; plus strand). Cytogenetic location: 12q21.31.
Variant type: Deletion.
Coding change: c.1340_1341del on transcript NM_001378609.3 (MANE Select); coding-DNA positions 1340 to 1341, 2 bases deleted (TT; older notation c.1340_1341delTT).
Protein change: p.Phe447fs; shifts the reading frame from phenylalanine 447.
Molecular consequence: frameshift variant.
Genome position (GRCh38, 1-based): chr12:80,253,520-80,253,521, TT deleted; deleting any 2 consecutive bases within chr12:80,253,518-80,253,521 gives the same sequence; the c. name uses the placement nearest the transcript's 3' end. VCF-style (leftmost placement, unchanged base first): chr12-80253517-GTT-G. GRCh37 (hg19) VCF-style: chr12-80647297-GTT-G.
Other names: c.1340_1341del, p.Phe447fs (NM_001368062.3, NM_001378610.3, NM_173591.7); short protein forms F447fs.
Identifiers: ClinVar variation 4990272 (VCV004990272.1).